The following is an entry in ClinVar:

ClinVar aggregate classification (germline): Likely benign. Review status: criteria provided, single submitter (1 of 4 stars). 2 submissions from 2 submitters: Likely benign (1). 1 of the submissions does not count toward it. Last evaluated 2025-03-31.

Conditions:
GDF5-related disorder. Also called: GDF5 (CDMP1)-related disorder; GDF5-related condition. Identifiers: MedGen CN169990.

Allele frequency attached by ClinVar (database versions not stated): TOPMed 0.00001; gnomAD 0.00001.
gnomAD v4.1: 7 of 1,612,204 alleles (0.00043%); highest among the groups gnomAD compares: East Asian, 0.0022%; no homozygotes.

Submissions (2):

Labcorp Genetics (formerly Invitae), Labcorp
Classification: Likely benign. Last evaluated: 2025-03-31. Review status: criteria provided, single submitter. Criteria: Invitae Variant Classification Sherloc (09022015). Collection method: clinical testing. Allele origin: germline.

PreventionGenetics, part of Exact Sciences
Classification: Likely benign for GDF5-related condition. Last evaluated: 2024-09-16. Review status: no assertion criteria provided. Collection method: clinical testing. Allele origin: germline. Not counted in ClinVar's aggregate classification.
Comment: This variant is classified as likely benign based on ACMG/AMP sequence variant interpretation guidelines (Richards et al. 2015 PMID: 25741868, with internal and published modifications).

NM_000557.5(GDF5):c.747G>C (p.Thr249=)

Gene: GDF5 (growth differentiation factor 5; minus strand). Cytogenetic location: 20q11.22.
Variant type: single nucleotide variant.
Coding change: c.747G>C on transcript NM_000557.5 (MANE Select); coding-DNA position 747, G replaced by C.
Protein change: p.Thr249=; no amino-acid change (threonine 249 retained).
Molecular consequence: synonymous variant.
Genome position (GRCh38, 1-based): chr20:35,434,668, C>G on the plus strand (G>C on the coding strand, the complement: GDF5 is on the minus strand). VCF-style: chr20-35434668-C-G. GRCh37 (hg19) VCF-style: chr20-34022466-C-G.
Other names: c.747G>C (NM_000557.4); c.747G>C, p.Thr249= (NM_001319138.2).
Identifiers: ClinVar variation 2976750 (VCV002976750.4), dbSNP rs1419771616, ClinGen allele CA510482085.
Genomic context (GRCh38, chr20:35,434,668, plus strand): 5'-GGGGCAGCTGGACAGCTTCAGCTGGGCAGCCCGCCCGCCTCCGGGGGCCGCTGGCTTGGC[C>G]GTGTCCGAGGGCTTCTTCCGCAAGATCCGCAGCTCGGCCCCCAGCAGCCCATCCTTCTCC-3'
Protein context (NP_000548.2, residues 239-259): LRILRKKPSD[Thr249=]AKPAAPGGGR